The following is an entry in ClinVar:

NM_172362.3(KCNH1):c.1772G>C (p.Arg591Pro)

Gene: KCNH1 (potassium voltage-gated channel subfamily H member 1; minus strand). Cytogenetic location: 1q32.2.
Variant type: single nucleotide variant.
Coding change: c.1772G>C on transcript NM_172362.3 (MANE Select); coding-DNA position 1772, G replaced by C.
Protein change: p.Arg591Pro; replaces arginine 591 with proline.
Molecular consequence: missense variant.
Genome position (GRCh38, 1-based): chr1:210,797,651, C>G on the plus strand (G>C on the coding strand, the complement: KCNH1 is on the minus strand). VCF-style: chr1-210797651-C-G. GRCh37 (hg19) VCF-style: chr1-210970993-C-G.
Other names: c.1691G>C, p.Arg564Pro (NM_002238.4); short protein forms R564P, R591P.
Identifiers: ClinVar variation 1995289 (VCV001995289.4), dbSNP rs370210778, ClinGen allele CA344872646.

ClinVar aggregate classification (germline): Uncertain significance (1 of 4 stars; one submission).

Submission:

Labcorp Genetics (formerly Invitae), Labcorp
Classification: Uncertain significance. Last evaluated: 2024-07-19. Review status: criteria provided, single submitter. Criteria: Invitae Variant Classification Sherloc (09022015). Collection method: clinical testing. Allele origin: germline.
Comment: This sequence change replaces arginine, which is basic and polar, with proline, which is neutral and non-polar, at codon 591 of the KCNH1 protein (p.Arg591Pro). This variant is not present in population databases (gnomAD no frequency). This variant has not been reported in the literature in individuals affected with KCNH1-related conditions. ClinVar contains an entry for this variant (Variation ID: 1995289). Advanced modeling of protein sequence and biophysical properties (such as structural, functional, and spatial information, amino acid conservation, physicochemical variation, residue mobility, and thermodynamic stability) has been performed at Invitae for this missense variant, however the output from this modeling did not meet the statistical confidence thresholds required to predict the impact of this variant on KCNH1 protein function. In summary, the available evidence is currently insufficient to determine the role of this variant in disease. Therefore, it has been classified as a Variant of Uncertain Significance.